The following is an entry in ClinVar:

NM_145207.3(AFG2A):c.1410A>C (p.Glu470Asp)

Gene: AFG2A (AFG2 AAA ATPase homolog A; plus strand). Cytogenetic location: 4q28.1.
Variant type: single nucleotide variant.
Coding change: c.1410A>C on transcript NM_145207.3 (MANE Select); coding-DNA position 1410, A replaced by C.
Protein change: p.Glu470Asp; replaces glutamic acid 470 with aspartic acid.
Molecular consequence: missense variant.
Genome position (GRCh38, 1-based): chr4:122,938,201, A>C. VCF-style: chr4-122938201-A-C. GRCh37 (hg19) VCF-style: chr4-123859356-A-C.
Other names: c.1407A>C, p.Glu469Asp (NM_001317799.2, NM_001345856.2); short protein forms E469D, E470D.
Identifiers: ClinVar variation 1444855 (VCV001444855.6), dbSNP rs143105002, ClinGen allele CA3070450.

ClinVar aggregate classification (germline): Uncertain significance (1 of 4 stars; one submission).

Conditions:
Microcephaly-intellectual disability-sensorineural hearing loss-epilepsy-abnormal muscle tone syndrome (NEDHSB). Also called: NEURODEVELOPMENTAL DISORDER WITH HEARING LOSS, SEIZURES, AND BRAIN ABNORMALITIES. Identifiers: Orphanet 457351, MedGen C4225276, MONDO:0014698, OMIM 616577.

Allele frequency attached by ClinVar (database versions not stated): gnomAD exomes below 0.00001; ExAC 0.00001; gnomAD 0.00001; TOPMed 0.00002; ESP Exome Variant Server 0.00008.
gnomAD v4.1: 4 of 1,610,764 alleles (0.00025%); highest among the groups gnomAD compares: Non-Finnish European, 0.00034%; no homozygotes.

Submission:

Labcorp Genetics (formerly Invitae), Labcorp
Classification: Uncertain significance for Microcephaly-intellectual disability-sensorineural hearing loss-epilepsy-abnormal muscle tone syndrome. Last evaluated: 2020-11-26. Review status: criteria provided, single submitter. Criteria: Invitae Variant Classification Sherloc (09022015). Collection method: clinical testing. Allele origin: germline.
Comment: In summary, the available evidence is currently insufficient to determine the role of this variant in disease. Therefore, it has been classified as a Variant of Uncertain Significance. Advanced modeling of protein sequence and biophysical properties (such as structural, functional, and spatial information, amino acid conservation, physicochemical variation, residue mobility, and thermodynamic stability) performed at Invitae indicates that this missense variant is not expected to disrupt SPATA5 protein function. This variant has not been reported in the literature in individuals with SPATA5-related conditions. This variant is present in population databases (rs143105002, ExAC 0.001%). This sequence change replaces glutamic acid with aspartic acid at codon 470 of the SPATA5 protein (p.Glu470Asp). The glutamic acid residue is highly conserved and there is a small physicochemical difference between glutamic acid and aspartic acid.